The following is an entry in ClinVar:

ClinVar aggregate classification (germline): Pathogenic (3 of 4 stars; one submission).

Conditions:
Creatine transporter deficiency (CCDS1). Also called: Mental retardation , X-linked with seizures, short stature and midface hypoplasia; Mental retardation , X-linked, with creatine transport deficiency; X-linked creatine transporter deficiency; X-linked creatine deficiency syndrome; SLC6A8-Related Creatine Transporter Deficiency; CREATINE TRANSPORTER DEFECT. Identifiers: Orphanet 52503, MedGen C1845862, MONDO:0010305, OMIM 300352.

Submission:

ClinGen Cerebral Creatine Deficiency Syndromes Variant Curation Expert Panel, ClinGen
Classification: Pathogenic for Creatine transporter deficiency. Last evaluated: 2023-08-08. Review status: reviewed by expert panel. Criteria: ClinGen_CCDS_ACMG_Specifications_SLC6A8_v1.1. Collection method: curation. Allele origin: germline. Inheritance: X-linked inheritance.
Comment: The NM_005629.4:c.1146_1150dup (p.Leu384ArgfsTer14) (a.k.a. NC_000023.11:g.153693909_153693913dup) in SLC6A8 is a frameshift variant predicted to cause a premature stop codon in biologically-relevant-exon 8 of 13, leading to nonsense mediated decay in a gene in which loss-of-function is an established disease mechanism (PVS1). The variant is absent in gnomAD v2.1.1. (PM2_Supporting). In summary, this variant meets the criteria to be classified as pathogenic for creatine transporter deficiency. SLC6A8-specific ACMG/AMP criteria applied, as specified by the ClinGen CCDS Variant Curation Expert Panel (Specifications Version 1.1.0): PVS1, PM6, PP4, PM2_Supporting. (Classification approved by the ClinGen Cerebral Creatine Deficiency Syndromes Variant Curation Expert Panel on August 8, 2023).

NC_000023.11:g.153693904GGGCC[3]

Gene: SLC6A8 (solute carrier family 6 member 8; plus strand). Cytogenetic location: Xq28.
Variant type: Microsatellite.
Genome position: GRCh38 VCF-style: chrX-153693903-A-AGGGCC. GRCh37 (hg19) VCF-style: chrX-152959358-A-AGGGCC.
Other names: NM_001142805.2:c.1116_1120dup.
Identifiers: ClinVar variation 3066446 (VCV003066446.1), dbSNP rs2522165130, ClinGen allele CA2579985607.